The following is an entry in ClinVar:

ClinVar aggregate classification (germline): Uncertain significance (1 of 4 stars; one submission).

Allele frequency attached by ClinVar (database versions not stated): TOPMed below 0.00001; ExAC 0.00001; gnomAD exomes 0.00001.

Submission:

Labcorp Genetics (formerly Invitae), Labcorp
Classification: Uncertain significance. Last evaluated: 2023-12-11. Review status: criteria provided, single submitter. Criteria: Invitae Variant Classification Sherloc (09022015). Collection method: clinical testing. Allele origin: germline.
Comment: This sequence change replaces glycine, which is neutral and non-polar, with serine, which is neutral and polar, at codon 663 of the TNFAIP3 protein (p.Gly663Ser). This variant is present in population databases (rs773168508, gnomAD 0.006%). This variant has not been reported in the literature in individuals affected with TNFAIP3-related conditions. ClinVar contains an entry for this variant (Variation ID: 2140846). An algorithm developed to predict the effect of missense changes on protein structure and function (PolyPhen-2) suggests that this variant is likely to be disruptive. In summary, the available evidence is currently insufficient to determine the role of this variant in disease. Therefore, it has been classified as a Variant of Uncertain Significance.

NM_001270508.2(TNFAIP3):c.1987G>A (p.Gly663Ser)

Gene: TNFAIP3 (TNF alpha induced protein 3; plus strand). Cytogenetic location: 6q23.3.
Variant type: single nucleotide variant.
Coding change: c.1987G>A on transcript NM_001270508.2 (MANE Select); coding-DNA position 1987, G replaced by A.
Protein change: p.Gly663Ser; replaces glycine 663 with serine.
Molecular consequence: missense variant.
Genome position (GRCh38, 1-based): chr6:137,880,151, G>A. VCF-style: chr6-137880151-G-A. GRCh37 (hg19) VCF-style: chr6-138201288-G-A.
Other names: c.1987G>A, p.Gly663Ser (NM_001270507.2, NM_006290.4); short protein forms G663S.
Identifiers: ClinVar variation 2140846 (VCV002140846.4), dbSNP rs773168508, ClinGen allele CA4019769.